The following is an entry in ClinVar:

ClinVar aggregate classification (germline): Uncertain significance (1 of 4 stars; one submission).

Conditions:
Bloom syndrome (BLM). Also called: Bloom-Torre-Machacek syndrome. Identifiers: Orphanet 125, MedGen C0005859, MONDO:0008876, OMIM 210900.

Submission:

Labcorp Genetics (formerly Invitae), Labcorp
Classification: Uncertain significance for Bloom syndrome. Last evaluated: 2020-09-01. Review status: criteria provided, single submitter. Criteria: Invitae Variant Classification Sherloc (09022015). Collection method: clinical testing. Allele origin: germline.
Comment: In summary, the available evidence is currently insufficient to determine the role of this variant in disease. Therefore, it has been classified as a Variant of Uncertain Significance. Algorithms developed to predict the effect of missense changes on protein structure and function (SIFT, PolyPhen-2, Align-GVGD) all suggest that this variant is likely to be tolerated, but these predictions have not been confirmed by published functional studies and their clinical significance is uncertain. This variant has not been reported in the literature in individuals with BLM-related conditions. This variant is not present in population databases (ExAC no frequency). This sequence change replaces phenylalanine with isoleucine at codon 89 of the BLM protein (p.Phe89Ile). The phenylalanine residue is weakly conserved and there is a small physicochemical difference between phenylalanine and isoleucine.

NM_000057.4(BLM):c.265T>A (p.Phe89Ile)

Gene: BLM (BLM RecQ like helicase; plus strand). Cytogenetic location: 15q26.1.
Variant type: single nucleotide variant.
Coding change: c.265T>A on transcript NM_000057.4 (MANE Select); coding-DNA position 265, T replaced by A.
Protein change: p.Phe89Ile; replaces phenylalanine 89 with isoleucine.
Molecular consequence: missense variant. On other transcripts: 5 prime UTR variant (1).
Genome position (GRCh38, 1-based): chr15:90,749,533, T>A. VCF-style: chr15-90749533-T-A. GRCh37 (hg19) VCF-style: chr15-91292763-T-A.
Other names: c.265T>A, p.Phe89Ile (NM_001287246.2, NM_001287247.2); c.-1027T>A (NM_001287248.2); short protein forms F89I.
Identifiers: ClinVar variation 1042486 (VCV001042486.9), dbSNP rs1895607752, ClinGen allele CA393840058.